The following is an entry in ClinVar:

NM_024496.4(IRF2BPL):c.287C>G (p.Ala96Gly)

Genes: IRF2BPL (interferon regulatory factor 2 binding protein like; minus strand), LOC107984638 (uncharacterized LOC107984638; plus strand). Cytogenetic location: 14q24.3.
Variant type: single nucleotide variant.
Coding change: c.287C>G on transcript NM_024496.4 (MANE Select); coding-DNA position 287, C replaced by G.
Protein change: p.Ala96Gly; replaces alanine 96 with glycine.
Molecular consequence: missense variant.
Genome position (GRCh38, 1-based): chr14:77,027,506, G>C on the plus strand (C>G on the coding strand, the complement: IRF2BPL is on the minus strand). VCF-style: chr14-77027506-G-C. GRCh37 (hg19) VCF-style: chr14-77493849-G-C.
Other names: short protein forms A96G.
Identifiers: ClinVar variation 1690938 (VCV001690938.2), dbSNP rs1885186316, ClinGen allele CA390500453.
Genomic context (GRCh38, chr14:77,027,506, plus strand): 5'-TGCTGTTGCTGCTGCTGCTGCTGCTGTTGCTGTTGCTGTTGCGCGGCGGCGGCGGCGGCC[G>C]CCGCTGCTGCCGCCGCCGCCGCCGCTTCCTTAGCCGACAGGGCCACTGTCTTGACCCCGA-3'
Protein context (NP_078772.1, residues 86-106): KEAAAAAAAA[Ala96Gly]AAAAAAQQQQ

ClinVar aggregate classification (germline): Uncertain significance (1 of 4 stars; one submission).

Submission:

Laboratorio de Genetica e Diagnostico Molecular, Hospital Israelita Albert Einstein
Classification: Uncertain significance. Last evaluated: 2020-08-30. Review status: criteria provided, single submitter. Criteria: ACMG Guidelines, 2015. Collection method: clinical testing. Allele origin: germline. Affected: yes.
Comment: ACMG classification criteria: PM2, BP4